The following is an entry in ClinVar:

NM_031844.3(HNRNPU):c.2425-2A>G

Gene: HNRNPU (heterogeneous nuclear ribonucleoprotein U; minus strand). Cytogenetic location: 1q44.
Variant type: single nucleotide variant.
Coding change: c.2425-2A>G on transcript NM_031844.3 (MANE Select); the canonical splice acceptor site of the intron before coding-DNA position 2425, A replaced by G.
Molecular consequence: splice acceptor variant.
Genome position (GRCh38, 1-based): chr1:244,854,505, T>C on the plus strand (A>G on the coding strand, the complement: HNRNPU is on the minus strand). VCF-style: chr1-244854505-T-C. GRCh37 (hg19) VCF-style: chr1-245017807-T-C.
Other names: c.2368-2A>G (NM_004501.3).
Identifiers: ClinVar variation 559858 (VCV000559858.4), dbSNP rs1553281924, ClinGen allele CA345486374.
Genomic context (GRCh38, chr1:244,854,505, plus strand): 5'-GGTATTCAATAATATCCTTGGTGATAATGCTGACTCCATGGCTTCTGACCCCAGAATTGC[T>C]GTAAGAGAAAATTTTGTTTTTAAAGAAAAAACATCAATAAGCCACTCAAACTGTTTTTAG-3'

ClinVar aggregate classification (germline): Pathogenic. Review status: criteria provided, multiple submitters, no conflicts (2 of 4 stars). 2 submissions from 2 submitters: Pathogenic (2). Last evaluated 2024-06-07.

Conditions:
Developmental and epileptic encephalopathy, 54. Also called: HNRNPU-Related Neurodevelopmental Disorder; Epileptic encephalopathy, early infantile, 54. Identifiers: MedGen C4479319, MONDO:0033363, OMIM 617391.

Submissions (2):

GeneDx
Classification: Pathogenic. Last evaluated: 2024-06-07. Review status: criteria provided, single submitter. Criteria: GeneDx Variant Classification Process June 2021. Collection method: clinical testing. Allele origin: germline. Affected: yes.
Comment: Canonical splice site variant predicted to result in an in-frame loss of the adjacent exon in a gene for which loss of function is a known mechanism of disease; Not observed at significant frequency in large population cohorts (gnomAD); This variant is associated with the following publications: (PMID: 33874999, 38846959, 35138025)

Equipe Genetique des Anomalies du Developpement, Université de Bourgogne
Classification: Pathogenic for Developmental and epileptic encephalopathy, 54. Last evaluated: 2017-08-04. Review status: criteria provided, single submitter. Criteria: ACMG Guidelines, 2015. Collection method: clinical testing. Allele origin: de novo. Affected: yes. Study: Clinvar_gadteam_Clinical_exome_analysis_3.